The following is an entry in ClinVar:

ClinVar aggregate classification (germline): Uncertain significance. Review status: criteria provided, multiple submitters, no conflicts (2 of 4 stars). 3 submissions from 3 submitters: Uncertain significance (3). Last evaluated 2025-04-23.

Conditions:
Inborn genetic diseases. Identifiers: MedGen C0950123, MeSH D030342.
Chédiak-Higashi syndrome (CHS). Also called: Chediak-Higashi Syndrome. Identifiers: Orphanet 167, MedGen C0007965, MONDO:0008963, OMIM 214500.

gnomAD v4.1: 3 of 1,613,498 alleles (0.00019%); highest among the groups gnomAD compares: Non-Finnish European, 0.00025%; no homozygotes.

Submissions (3):

Women's Health and Genetics/Laboratory Corporation of America, LabCorp
Classification: Uncertain significance. Last evaluated: 2025-04-23. Review status: criteria provided, single submitter. Criteria: LabCorp Variant Classification Summary - May 2015. Collection method: clinical testing. Allele origin: germline.
Comment: Variant summary: LYST c.3834G>C (p.Leu1278Phe) results in a non-conservative amino acid change in the encoded protein sequence. Four of five in-silico tools predict a damaging effect of the variant on protein function. The variant was absent in 251012 control chromosomes. The available data on variant occurrences in the general population are insufficient to allow any conclusion about variant significance. To our knowledge, no occurrence of c.3834G>C in individuals affected with Chediak-Higashi Syndrome and no experimental evidence demonstrating its impact on protein function have been reported. ClinVar contains an entry for this variant (Variation ID: 2189066). Based on the evidence outlined above, the variant was classified as uncertain significance.

Labcorp Genetics (formerly Invitae), Labcorp
Classification: Uncertain significance for Chédiak-Higashi syndrome. Last evaluated: 2024-04-17. Review status: criteria provided, single submitter. Criteria: Invitae Variant Classification Sherloc (09022015). Collection method: clinical testing. Allele origin: germline.
Comment: This sequence change replaces leucine, which is neutral and non-polar, with phenylalanine, which is neutral and non-polar, at codon 1278 of the LYST protein (p.Leu1278Phe). This variant is not present in population databases (gnomAD no frequency). This variant has not been reported in the literature in individuals affected with LYST-related conditions. ClinVar contains an entry for this variant (Variation ID: 2189066). Advanced modeling of protein sequence and biophysical properties (such as structural, functional, and spatial information, amino acid conservation, physicochemical variation, residue mobility, and thermodynamic stability) performed at Invitae indicates that this missense variant is expected to disrupt LYST protein function with a positive predictive value of 80%. In summary, the available evidence is currently insufficient to determine the role of this variant in disease. Therefore, it has been classified as a Variant of Uncertain Significance.

Ambry Genetics
Classification: Uncertain significance for Inborn genetic diseases. Last evaluated: 2023-08-19. Review status: criteria provided, single submitter. Criteria: Ambry Variant Classification Scheme 2023. Collection method: clinical testing. Allele origin: germline.

NM_000081.4(LYST):c.3834G>C (p.Leu1278Phe)

Gene: LYST (lysosomal trafficking regulator; minus strand). Cytogenetic location: 1q42.3.
Variant type: single nucleotide variant.
Coding change: c.3834G>C on transcript NM_000081.4 (MANE Select); coding-DNA position 3834, G replaced by C.
Protein change: p.Leu1278Phe; replaces leucine 1278 with phenylalanine.
Molecular consequence: missense variant.
Genome position (GRCh38, 1-based): chr1:235,800,976, C>G on the plus strand (G>C on the coding strand, the complement: LYST is on the minus strand). VCF-style: chr1-235800976-C-G. GRCh37 (hg19) VCF-style: chr1-235964276-C-G.
Other names: c.3834G>C, p.Leu1278Phe (NM_001301365.1); c.3834G>C (NM_000081.2); short protein forms L1278F.
Identifiers: ClinVar variation 2189066 (VCV002189066.7), dbSNP rs148542548, ClinGen allele CA344943746.
Genomic context (GRCh38, chr1:235,800,976, plus strand): 5'-TTTCAAAAAACTCTCAAATACATGGGCAAGCACATCAAGTTTGGCTTTACTAGCAGAAAG[C>G]AAATTTAATTCCAGCATACAAATCTCAGGATAAATTATTTCCCCTTGAGTGAGGTTTTCG-3'
Protein context (NP_000072.2, residues 1268-1288): YPEICMLELN[Leu1278Phe]LSASKAKLDV